The following is an entry in ClinVar:

NM_030962.4(SBF2):c.3831C>G (p.Ile1277Met)

Gene: SBF2 (SET binding factor 2; minus strand). Cytogenetic location: 11p15.4.
Variant type: single nucleotide variant.
Coding change: c.3831C>G on transcript NM_030962.4 (MANE Select); coding-DNA position 3831, C replaced by G.
Protein change: p.Ile1277Met; replaces isoleucine 1277 with methionine.
Molecular consequence: missense variant.
Genome position (GRCh38, 1-based): chr11:9,816,987, G>C on the plus strand (C>G on the coding strand, the complement: SBF2 is on the minus strand). VCF-style: chr11-9816987-G-C. GRCh37 (hg19) VCF-style: chr11-9838534-G-C.
Other names: c.3927C>G, p.Ile1309Met (NM_001386339.1); c.3702C>G, p.Ile1234Met (NM_001386342.1); short protein forms I1277M, I1234M, I1309M.
Identifiers: ClinVar variation 246374 (VCV000246374.50), dbSNP rs139522696, ClinGen allele CA5881126.

ClinVar aggregate classification (germline): Conflicting classifications of pathogenicity. Review status: criteria provided, conflicting classifications (1 of 4 stars). 11 submissions from 11 submitters: Uncertain significance (10); Likely benign (1). Last evaluated 2025-01-23.

Conditions:
Inborn genetic diseases. Identifiers: MedGen C0950123, MeSH D030342.
Charcot-Marie-Tooth disease type 4. Also called: Charcot-Marie-Tooth, Type 4; Charcot-Marie-Tooth disease, type IV. Identifiers: Orphanet 64749, MedGen C4082197, MONDO:0018995.
Charcot-Marie-Tooth disease type 4B2. Also called: Charcot-Marie-Tooth Neuropathy Type 4B2; CHARCOT-MARIE-TOOTH DISEASE, WITH FOCALLY FOLDED MYELIN SHEATHS, AUTOSOMAL RECESSIVE, TYPE 4B2; CMT 4B2; CHARCOT-MARIE-TOOTH DISEASE, DEMYELINATING, TYPE 4B2. Identifiers: Orphanet 99956, MedGen C1858278, MONDO:0011475, OMIM 604563.

Allele frequency attached by ClinVar (database versions not stated): ExAC 0.00020; gnomAD 0.00020 and 0.00021; gnomAD exomes 0.00021 and 0.00031; TOPMed 0.00023; ESP Exome Variant Server 0.00031.
gnomAD v4.1: 468 of 1,614,034 alleles (0.029%); highest among the groups gnomAD compares: Non-Finnish European, 0.039%; no homozygotes.

Submissions (11):

Ambry Genetics
Classification: Uncertain significance for Inborn genetic diseases. Last evaluated: 2025-01-23. Review status: criteria provided, single submitter. Criteria: Ambry Variant Classification Scheme 2023. Collection method: clinical testing. Allele origin: germline.

GeneDx
Classification: Uncertain significance. Last evaluated: 2024-12-02. Review status: criteria provided, single submitter. Criteria: GeneDx Variant Classification Process June 2021. Collection method: clinical testing. Allele origin: germline. Affected: yes.
Comment: Observed in patient with peripheral neuropathy in published literature; however, a second variant was not identified (PMID: 25025039); In silico analysis indicates that this missense variant does not alter protein structure/function; This variant is associated with the following publications: (PMID: 24290377, 25025039)

Blueprint Genetics
Classification: Uncertain significance. Last evaluated: 2024-11-22. Review status: criteria provided, single submitter. Criteria: ACMG Guidelines, 2015. Collection method: clinical testing. Allele origin: germline.

CeGaT Center for Human Genetics Tuebingen
Classification: Likely benign. Last evaluated: 2024-03-01. Review status: criteria provided, single submitter. Criteria: CeGaT Center For Human Genetics Tuebingen Variant Classification Criteria Version 2. Collection method: clinical testing. Allele origin: germline. Affected: yes. Observed: 1 variant allele.
Comment: SBF2: BP4

Labcorp Genetics (formerly Invitae), Labcorp
Classification: Uncertain significance for Charcot-Marie-Tooth disease type 4. Last evaluated: 2022-10-13. Review status: criteria provided, single submitter. Criteria: Invitae Variant Classification Sherloc (09022015). Collection method: clinical testing. Allele origin: germline.
Comment: This sequence change replaces isoleucine, which is neutral and non-polar, with methionine, which is neutral and non-polar, at codon 1277 of the SBF2 protein (p.Ile1277Met). This variant is present in population databases (rs139522696, gnomAD 0.05%). This variant has not been reported in the literature in individuals affected with SBF2-related conditions. ClinVar contains an entry for this variant (Variation ID: 246374). Advanced modeling of protein sequence and biophysical properties (such as structural, functional, and spatial information, amino acid conservation, physicochemical variation, residue mobility, and thermodynamic stability) performed at Invitae indicates that this missense variant is not expected to disrupt SBF2 protein function. In summary, the available evidence is currently insufficient to determine the role of this variant in disease. Therefore, it has been classified as a Variant of Uncertain Significance.

Fulgent Genetics
Classification: Uncertain significance for Charcot-Marie-Tooth disease type 4B2. Last evaluated: 2022-04-11. Review status: criteria provided, single submitter. Criteria: ACMG Guidelines, 2015. Collection method: clinical testing. Allele origin: unknown.

Athena Diagnostics
Classification: Uncertain significance. Last evaluated: 2022-03-30. Review status: criteria provided, single submitter. Criteria: Athena Diagnostics Criteria. Collection method: clinical testing. Allele origin: unknown.

ARUP Laboratories, Molecular Genetics and Genomics, ARUP Laboratories
Classification: Uncertain significance for Charcot-Marie-Tooth disease type 4B2. Last evaluated: 2019-07-25. Review status: criteria provided, single submitter. Criteria: ARUP Molecular Germline Variant Investigation Process. Collection method: clinical testing. Allele origin: germline.
Comment: The SBF2 c.3831C>G; p.Ile1277Met variant (rs139522696), has been reported in the heterozygous state in individuals affected with CMT and in a control individual (Hoyer 2014). However, the p.Ile1277Met variant was not predicted to be associated with CMT. This variant is found in the general population with an overall allele frequency of 0.02 % (60/ 282,692 alleles) in the Genome Aggregation Database. The isoleucine at codon 1277 is moderately conserved, and computational analyses (SIFT, PolyPhen-2) predict that this variant is tolerated. However, given the lack of clinical and functional data, the significance of the p.Ile1277Met variant is uncertain at this time.

Illumina Laboratory Services, Illumina
Classification: Uncertain significance for Charcot-Marie-Tooth disease type 4B2. Last evaluated: 2018-01-13. Review status: criteria provided, single submitter. Criteria: ICSL Variant Classification Criteria 13 December 2019. Collection method: clinical testing. Allele origin: germline.

Genetic Services Laboratory, University of Chicago
Classification: Uncertain significance. Last evaluated: 2016-05-06. Review status: criteria provided, single submitter. Criteria: ACMG Guidelines, 2015. Collection method: clinical testing. Allele origin: germline. Affected: no.

Breakthrough Genomics
Classification: Uncertain significance. Review status: criteria provided, single submitter. Criteria: ACMG Guidelines, 2015. Collection method: not provided. Allele origin: germline. Inheritance: Autosomal recessive inheritance. Affected: yes.

Literature cited by the submitters: PubMed 25025039 (cited by Athena Diagnostics); PubMed 24290377 (cited by Athena Diagnostics).